The following is an entry in ClinVar:

ClinVar aggregate classification (germline): Uncertain significance (1 of 4 stars; one submission).

Conditions:
Carnitine palmitoyltransferase II deficiency. Also called: Carnitine Palmitoyltransferase 2 Deficiency. Identifiers: Orphanet 157, MedGen C0342790, MONDO:0015515.

Submission:

Labcorp Genetics (formerly Invitae), Labcorp
Classification: Uncertain significance for Carnitine palmitoyltransferase II deficiency. Last evaluated: 2023-07-14. Review status: criteria provided, single submitter. Criteria: Invitae Variant Classification Sherloc (09022015). Collection method: clinical testing. Allele origin: germline.
Comment: In summary, the available evidence is currently insufficient to determine the role of this variant in disease. Therefore, it has been classified as a Variant of Uncertain Significance. Advanced modeling of protein sequence and biophysical properties (such as structural, functional, and spatial information, amino acid conservation, physicochemical variation, residue mobility, and thermodynamic stability) performed at Invitae indicates that this missense variant is expected to disrupt CPT2 protein function. ClinVar contains an entry for this variant (Variation ID: 956329). This variant has not been reported in the literature in individuals affected with CPT2-related conditions. This variant is not present in population databases (gnomAD no frequency). This sequence change replaces lysine, which is basic and polar, with threonine, which is neutral and polar, at codon 354 of the CPT2 protein (p.Lys354Thr).

NM_000098.3(CPT2):c.1061A>C (p.Lys354Thr)

Gene: CPT2 (carnitine palmitoyltransferase 2; plus strand). Cytogenetic location: 1p32.3.
Variant type: single nucleotide variant.
Coding change: c.1061A>C on transcript NM_000098.3 (MANE Select); coding-DNA position 1061, A replaced by C.
Protein change: p.Lys354Thr; replaces lysine 354 with threonine.
Molecular consequence: missense variant.
Genome position (GRCh38, 1-based): chr1:53,210,735, A>C. VCF-style: chr1-53210735-A-C. GRCh37 (hg19) VCF-style: chr1-53676407-A-C.
Other names: c.1061A>C, p.Lys354Thr (NM_001330589.2); short protein forms K354T.
Identifiers: ClinVar variation 956329 (VCV000956329.9), dbSNP rs1645419714, ClinGen allele CA340394429.